The following is an entry in ClinVar:

NM_001386094.1(AGBL1):c.100G>C (p.Asp34His)

Gene: AGBL1 (AGBL carboxypeptidase 1; plus strand). Cytogenetic location: 15q25.3.
Variant type: single nucleotide variant.
Coding change: c.100G>C on transcript NM_001386094.1 (MANE Select); coding-DNA position 100, G replaced by C.
Protein change: p.Asp34His; replaces aspartic acid 34 with histidine.
Molecular consequence: missense variant.
Genome position (GRCh38, 1-based): chr15:86,142,052, G>C. VCF-style: chr15-86142052-G-C. GRCh37 (hg19) VCF-style: chr15-86685283-G-C.
Other names: c.100G>C, p.Asp34His (NM_152336.4); short protein forms D34H.
Identifiers: ClinVar variation 3033873 (VCV003033873.2), dbSNP rs531168307, ClinGen allele CA7715213.

ClinVar aggregate classification (germline): Benign (0 of 4 stars; one submission).

Conditions:
AGBL1-related disorder. Also called: AGBL1-related condition.

Allele frequency attached by ClinVar (database versions not stated): ExAC 0.00048; 1000 Genomes Project 0.00100; 1000 Genomes Project 30x 0.00109.
gnomAD v4.1: 159 of 1,550,278 alleles (0.01%); highest among the groups gnomAD compares: East Asian, 0.29%; 2 homozygotes.

Submission:

PreventionGenetics, part of Exact Sciences
Classification: Benign for AGBL1-related condition. Last evaluated: 2019-06-18. Review status: no assertion criteria provided. Collection method: clinical testing. Allele origin: germline.
Comment: This variant is classified as benign based on ACMG/AMP sequence variant interpretation guidelines (Richards et al. 2015 PMID: 25741868, with internal and published modifications).